The following is an entry in ClinVar:

ClinVar aggregate classification (germline): Uncertain significance (1 of 4 stars; one submission).

Conditions:
Werner syndrome (WRN). Identifiers: Orphanet 902, MedGen C0043119, MONDO:0010196, OMIM 277700.

Allele frequency attached by ClinVar (database versions not stated): gnomAD 0.00001; 1000 Genomes Project 30x 0.00016.
gnomAD v4.1: 3 of 1,600,330 alleles (0.00019%); highest among the groups gnomAD compares: Admixed American, 0.0017%; no homozygotes.

Submission:

Labcorp Genetics (formerly Invitae), Labcorp
Classification: Uncertain significance for Werner syndrome. Last evaluated: 2022-03-25. Review status: criteria provided, single submitter. Criteria: Invitae Variant Classification Sherloc (09022015). Collection method: clinical testing. Allele origin: germline.
Comment: This sequence change replaces glutamic acid, which is acidic and polar, with lysine, which is basic and polar, at codon 242 of the WRN protein (p.Glu242Lys). This variant also falls at the last nucleotide of exon 7, which is part of the consensus splice site for this exon. This variant is present in population databases (rs769959338, gnomAD 0.003%). This variant has not been reported in the literature in individuals affected with WRN-related conditions. Algorithms developed to predict the effect of missense changes on protein structure and function are either unavailable or do not agree on the potential impact of this missense change (SIFT: "Not Available"; PolyPhen-2: "Benign"; Align-GVGD: "Not Available"). Variants that disrupt the consensus splice site are a relatively common cause of aberrant splicing (PMID: 17576681, 9536098). Algorithms developed to predict the effect of sequence changes on RNA splicing suggest that this variant may disrupt the consensus splice site. In summary, the available evidence is currently insufficient to determine the role of this variant in disease. Therefore, it has been classified as a Variant of Uncertain Significance.

Literature cited by the submitters: PubMed 17576681; PubMed 9536098.

NM_000553.6(WRN):c.724G>A (p.Glu242Lys)

Gene: WRN (WRN RecQ like helicase; plus strand). Cytogenetic location: 8p12.
Variant type: single nucleotide variant.
Coding change: c.724G>A on transcript NM_000553.6 (MANE Select); coding-DNA position 724, G replaced by A.
Protein change: p.Glu242Lys; replaces glutamic acid 242 with lysine.
Molecular consequence: missense variant.
Genome position (GRCh38, 1-based): chr8:31,068,327, G>A. VCF-style: chr8-31068327-G-A. GRCh37 (hg19) VCF-style: chr8-30925843-G-A.
Other names: short protein forms E242K.
Identifiers: ClinVar variation 2116695 (VCV002116695.4), dbSNP rs769959338, ClinGen allele CA4704142.